The following is an entry in ClinVar:

NM_000038.6(APC):c.4928del (p.Cys1643fs)

Gene: APC (APC regulator of Wnt signaling pathway; plus strand). Cytogenetic location: 5q22.2.
Variant type: Deletion.
Coding change: c.4928del on transcript NM_000038.6 (MANE Select); coding-DNA position 4928, one base deleted (G; older notation c.4928delG).
Protein change: p.Cys1643fs; shifts the reading frame from cysteine 1643.
Molecular consequence: frameshift variant.
Genome position (GRCh38, 1-based): chr5:112,840,522, G deleted. VCF-style (leftmost placement, unchanged base first): chr5-112840521-TG-T. GRCh37 (hg19) VCF-style: chr5-112176218-TG-T.
Other names: c.4928del, p.Cys1643fs (NM_001127510.3, NM_001354895.2); c.4874del, p.Cys1625fs (NM_001127511.3); c.4982del, p.Cys1661fs (NM_001354896.2); c.4958del, p.Cys1653fs (NM_001354897.2); c.4853del, p.Cys1618fs (NM_001354898.2); c.4844del, p.Cys1615fs (NM_001354899.2); c.4805del, p.Cys1602fs (NM_001354900.2); c.4751del, p.Cys1584fs (NM_001354901.2); and 16 more; short protein forms C1360fs, C1517fs, C1625fs, C1483fs, C1618fs, C1602fs, C1615fs, C1653fs.
Identifiers: ClinVar variation 1744163 (VCV001744163.3), dbSNP rs2533608926, ClinGen allele CA2580072596.

ClinVar aggregate classification (germline): Pathogenic. Review status: criteria provided, multiple submitters, no conflicts (2 of 4 stars). 2 submissions from 2 submitters: Pathogenic (2). Last evaluated 2023-05-12.

Conditions:
Hereditary cancer-predisposing syndrome. Also called: Hereditary Cancer Syndrome; Neoplastic Syndromes, Hereditary; Tumor predisposition; Hereditary neoplastic syndrome. Identifiers: Orphanet 140162, MedGen C0027672, MeSH D009386, MONDO:0015356.
Familial adenomatous polyposis 1 (FAP1). Also called: FAMILIAL ADENOMATOUS POLYPOSIS 1, ATTENUATED; POLYPOSIS, ADENOMATOUS INTESTINAL. Identifiers: MedGen C2713442, MONDO:0021056, OMIM 175100. Disease mechanism: loss of function.

Submissions (2):

Myriad Genetics, Inc.
Classification: Pathogenic for Familial adenomatous polyposis 1. Last evaluated: 2023-05-12. Review status: criteria provided, single submitter. Criteria: Myriad Autosomal Dominant, Autosomal Recessive and X-Linked Classification Criteria (2023). Collection method: clinical testing. Allele origin: unknown.
Comment: This variant is considered pathogenic. This variant creates a frameshift predicted to result in premature protein truncation.

Ambry Genetics
Classification: Pathogenic for Hereditary cancer-predisposing syndrome. Last evaluated: 2022-10-06. Review status: criteria provided, single submitter. Criteria: Ambry Variant Classification Scheme 2023. Collection method: clinical testing. Allele origin: germline.
Comment: The c.4928delG pathogenic mutation, located in coding exon 15 of the APC gene, results from a deletion of one nucleotide at nucleotide position 4928, causing a translational frameshift with a predicted alternate stop codon (p.C1643Lfs*7). In a large (n=1591) series of patients referred for APC testing, this alteration was detected in 2 individual(s). (Kerr SE et al. J Mol Diagn, 2013 Jan;15:31-43). In addition to the clinical data presented in the literature, this alteration is expected to result in loss of function by premature protein truncation or nonsense-mediated mRNA decay. As such, this alteration is interpreted as a disease-causing mutation.

Literature cited by the submitters: PubMed 23159591 (cited by Ambry Genetics).